The following is an entry in ClinVar:

ClinVar aggregate classification (germline): Uncertain significance. Review status: criteria provided, multiple submitters, no conflicts (2 of 4 stars). 3 submissions from 3 submitters: Uncertain significance (3). Last evaluated 2026-03-22.

Conditions:
Cardiovascular phenotype. Identifiers: MedGen CN230736.
Long QT syndrome (LQTS). Identifiers: MedGen C0023976, MeSH D008133, MONDO:0002442. Disease mechanism: loss of function. Inheritance: Various modes of inheritance.
Long QT syndrome 11 (LQT11). Identifiers: Orphanet 101016, Orphanet 768, MedGen C2678483, MONDO:0012738, OMIM 611820.

Allele frequency attached by ClinVar (database versions not stated): gnomAD exomes below 0.00001; gnomAD 0.00007; TOPMed 0.00008; ESP Exome Variant Server 0.00015.
gnomAD v4.1: 18 of 1,612,066 alleles (0.0011%); highest among the groups gnomAD compares: African/African-American, 0.019%; no homozygotes.

Submissions (3):

Clinical Genomics Laboratory, Washington University in St. Louis
Classification: Uncertain significance for Long QT syndrome 11. Last evaluated: 2026-03-22. Review status: criteria provided, single submitter. Criteria: ACMG Guidelines, 2015. Collection method: clinical testing. Allele origin: germline.
Comment: An AKAP9 c.5776G>A (p.Gly1926Ser) variant was identified in a heterozygous state. This missense variant, to our knowledge, has not been reported in the medical literature. It is observed in 18/1,612,066 alleles in the general population (gnomAD v4.1.0). Computational predictors suggest that the variant does not impact AKAP9 function. Due to limited information, the clinical significance of this variant is uncertain.

Ambry Genetics
Classification: Uncertain significance for Cardiovascular phenotype. Last evaluated: 2025-08-09. Review status: criteria provided, single submitter. Criteria: Ambry Variant Classification Scheme 2023. Collection method: clinical testing. Allele origin: germline.
Comment: The p.G1926S variant (also known as c.5776G>A), located in coding exon 24 of the AKAP9 gene, results from a G to A substitution at nucleotide position 5776. The glycine at codon 1926 is replaced by serine, an amino acid with similar properties. This amino acid position is highly conserved in available vertebrate species. In addition, this alteration is predicted to be tolerated by in silico analysis. The evidence for this gene-disease relationship is limited; therefore, the clinical significance of this alteration is unclear.

Labcorp Genetics (formerly Invitae), Labcorp
Classification: Uncertain significance for Long QT syndrome. Last evaluated: 2024-07-17. Review status: criteria provided, single submitter. Criteria: Invitae Variant Classification Sherloc (09022015). Collection method: clinical testing. Allele origin: germline.
Comment: This sequence change replaces glycine, which is neutral and non-polar, with serine, which is neutral and polar, at codon 1926 of the AKAP9 protein (p.Gly1926Ser). This variant is present in population databases (rs149204469, gnomAD 0.01%). This variant has not been reported in the literature in individuals affected with AKAP9-related conditions. ClinVar contains an entry for this variant (Variation ID: 1749576). An algorithm developed to predict the effect of missense changes on protein structure and function (PolyPhen-2) suggests that this variant is likely to be tolerated. In summary, the available evidence is currently insufficient to determine the role of this variant in disease. Therefore, it has been classified as a Variant of Uncertain Significance.

NM_005751.5(AKAP9):c.5776G>A (p.Gly1926Ser)

Gene: AKAP9 (A-kinase anchoring protein 9; plus strand). Cytogenetic location: 7q21.2.
Variant type: single nucleotide variant.
Coding change: c.5776G>A on transcript NM_005751.5 (MANE Select); coding-DNA position 5776, G replaced by A.
Protein change: p.Gly1926Ser; replaces glycine 1926 with serine.
Molecular consequence: missense variant.
Genome position (GRCh38, 1-based): chr7:92,062,285, G>A. VCF-style: chr7-92062285-G-A. GRCh37 (hg19) VCF-style: chr7-91691599-G-A.
Other names: c.421G>A, p.Gly141Ser (NM_001379277.1); c.5776G>A, p.Gly1926Ser (NM_147185.3); short protein forms G141S, G1926S.
Identifiers: ClinVar variation 1749576 (VCV001749576.9), dbSNP rs149204469, ClinGen allele CA161913228.
Genomic context (GRCh38, chr7:92,062,285, plus strand): 5'-GAATTTGAAATGAATAATAGTTCTATTTTCTGTTAATTTTGTATTATAGGCGTCATTGAT[G>A]GCTATGCAGATGAAAAAACTCTTTTTGAAAGGCAAATTCAGGAAAAAACTGATATAATAG-3'
Protein context (NP_005742.4, residues 1916-1936): ELSKAEGVID[Gly1926Ser]YADEKTLFER